The following is an entry in ClinVar:

NM_005502.4(ABCA1):c.3750G>C (p.Lys1250Asn)

Gene: ABCA1 (ATP binding cassette subfamily A member 1; minus strand). Cytogenetic location: 9q31.1.
Variant type: single nucleotide variant.
Coding change: c.3750G>C on transcript NM_005502.4 (MANE Select); coding-DNA position 3750, G replaced by C.
Protein change: p.Lys1250Asn; replaces lysine 1250 with asparagine.
Molecular consequence: missense variant.
Genome position (GRCh38, 1-based): chr9:104,814,464, C>G on the plus strand (G>C on the coding strand, the complement: ABCA1 is on the minus strand). VCF-style: chr9-104814464-C-G. GRCh37 (hg19) VCF-style: chr9-107576745-C-G.
Other names: short protein forms K1250N.
Identifiers: ClinVar variation 4235413 (VCV004235413.1).
Genomic context (GRCh38, chr9:104,814,464, plus strand): 5'-CCATTCTCCCTCAAGGCAGTTACCTGAGGTCTCAGCATCCACCCCACTCTCTTCGGCCAC[C>G]TTGAGGAATATCTGGAAAATGAGAGAGATGAGAACATTATAAGCACCAACATTACGAGAG-3'
Protein context (NP_005493.2, residues 1240-1260): SETTLEEIFL[Lys1250Asn]VAEESGVDAE

ClinVar aggregate classification (germline): Uncertain significance (1 of 4 stars; one submission).

Conditions:
Cardiovascular phenotype. Identifiers: MedGen CN230736.

gnomAD v4.1: 1 of 1,614,134 alleles (0.000062%); no homozygotes.

Submission:

Ambry Genetics
Classification: Uncertain significance for Cardiovascular phenotype. Last evaluated: 2025-07-29. Review status: criteria provided, single submitter. Criteria: Ambry Variant Classification Scheme 2023. Collection method: clinical testing. Allele origin: germline.
Comment: The p.K1250N variant (also known as c.3750G>C), located in coding exon 25 of the ABCA1 gene, results from a G to C substitution at nucleotide position 3750. The lysine at codon 1250 is replaced by asparagine, an amino acid with similar properties. This amino acid position is conserved. In addition, the in silico prediction for this alteration is inconclusive. Based on the available evidence, the clinical significance of this variant remains unclear.